The following is an entry in ClinVar:

NM_002454.2(MTRR):c.*1059T>C

Gene: MTRR (5-methyltetrahydrofolate-homocysteine methyltransferase reductase; plus strand). Cytogenetic location: 5p15.31.
Variant type: single nucleotide variant.
Coding change: c.*1059T>C on transcript NM_002454.2; 1059 bases downstream of the stop codon, T replaced by C.
Genome position (GRCh38, 1-based): chr5:7,901,117, T>C. VCF-style: chr5-7901117-T-C. GRCh37 (hg19) VCF-style: chr5-7901230-T-C.
Identifiers: ClinVar variation 354381 (VCV000354381.8), dbSNP rs10520873, ClinGen allele CA10620881.

ClinVar aggregate classification (germline): Benign. Review status: criteria provided, multiple submitters, no conflicts (2 of 4 stars). 2 submissions from 2 submitters: Benign (2). Last evaluated 2018-01-13.

Conditions:
Disorders of Intracellular Cobalamin Metabolism. Identifiers: MedGen CN043592.

Allele frequency attached by ClinVar (database versions not stated): 1000 Genomes Project 30x 0.17021; 1000 Genomes Project 0.17831; gnomAD 0.21744 and 0.21828; TOPMed 0.19986.

Submissions (2):

Illumina Laboratory Services, Illumina
Classification: Benign for Disorders of Intracellular Cobalamin Metabolism. Last evaluated: 2018-01-13. Review status: criteria provided, single submitter. Criteria: ICSL Variant Classification Criteria 13 December 2019. Collection method: clinical testing. Allele origin: germline.
Comment: This variant was observed in the ICSL laboratory as part of a predisposition screen in an ostensibly healthy population. It had not been previously curated by ICSL or reported in the Human Gene Mutation Database (HGMD: prior to June 1st, 2018), and was therefore a candidate for classification through an automated scoring system. Utilizing variant allele frequency, disease prevalence and penetrance estimates, and inheritance mode, an automated score was calculated to assess if this variant is too frequent to cause the disease. Based on the score and internal cut-off values, a variant classified as benign is not then subjected to further curation. The score for this variant resulted in a classification of benign for this disease.

Breakthrough Genomics
Classification: Benign. Review status: criteria provided, single submitter. Criteria: ACMG Guidelines, 2015. Collection method: not provided. Allele origin: germline. Inheritance: Autosomal recessive inheritance. Affected: yes.